The following is an entry in ClinVar:

NM_001267550.2(TTN):c.88594+1G>A

Genes: TTN (titin; minus strand), TTN-AS1 (TTN antisense RNA 1; plus strand). Cytogenetic location: 2q31.2.
Variant type: single nucleotide variant.
Coding change: c.88594+1G>A on transcript NM_001267550.2 (MANE Select); the canonical splice donor site of the intron after coding-DNA position 88594, G replaced by A.
Molecular consequence: splice donor variant.
Genome position (GRCh38, 1-based): chr2:178,554,864, C>T on the plus strand (G>A on the coding strand, the complement: TTN is on the minus strand). VCF-style: chr2-178554864-C-T. GRCh37 (hg19) VCF-style: chr2-179419591-C-T.
Other names: c.61399+1G>A (NM_003319.4); c.61975+1G>A (NM_133437.4); c.61774+1G>A (NM_133432.3); c.80890+1G>A (NM_133378.4); c.83671+1G>A (NM_001256850.1).
Identifiers: ClinVar variation 4849294 (VCV004849294.1).
Genomic context (GRCh38, chr2:178,554,864, plus strand): 5'-GTTCAAAATTACTAAGCTTTAGGCAAATGTAATATGACAGTGGTCTGTATTCAGCACCTA[C>T]CAAGGATCTGTACTCTGATGGTGGCTGAGGCTGAGCCCATGGCATTCCTTAGTTTTAATT-3'

ClinVar aggregate classification (germline): Likely pathogenic (1 of 4 stars; one submission).

Conditions:
Autosomal recessive limb-girdle muscular dystrophy type 2J (LGMDR10). Also called: Limb-girdle muscular dystrophy, type 2J; MUSCULAR DYSTROPHY, LIMB-GIRDLE, AUTOSOMAL RECESSIVE 10. Identifiers: Orphanet 140922, MedGen C1837342, MONDO:0012127, OMIM 608807.
Early-onset myopathy with fatal cardiomyopathy (CMYO5). Also called: Salih Myopathy; CONGENITAL MYOPATHY 5 WITH CARDIOMYOPATHY. Identifiers: Orphanet 289377, MedGen C2673677, MONDO:0012714, OMIM 611705. Disease mechanism: loss of function.

Submission:

First Genomix Gene Laboratory, Genetic Diagnostics Department
Classification: Likely pathogenic for Early-onset myopathy with fatal cardiomyopathy; Autosomal recessive limb-girdle muscular dystrophy type 2J. Last evaluated: 2025-06-26. Review status: criteria provided, single submitter. Criteria: ACMG Guidelines, 2015. Collection method: clinical testing. Allele origin: germline. Inheritance: Autosomal recessive inheritance. Affected: no. Observed: 1 variant allele.